The following is an entry in ClinVar:

NM_021813.4(BACH2):c.2054A>G (p.Lys685Arg)

Gene: BACH2 (BACH transcriptional regulator 2; minus strand). Cytogenetic location: 6q15.
Variant type: single nucleotide variant.
Coding change: c.2054A>G on transcript NM_021813.4 (MANE Select); coding-DNA position 2054, A replaced by G.
Protein change: p.Lys685Arg; replaces lysine 685 with arginine.
Molecular consequence: missense variant.
Genome position (GRCh38, 1-based): chr6:89,932,880, T>C on the plus strand (A>G on the coding strand, the complement: BACH2 is on the minus strand). VCF-style: chr6-89932880-T-C. GRCh37 (hg19) VCF-style: chr6-90642599-T-C.
Other names: c.2054A>G, p.Lys685Arg (NM_001170794.2); short protein forms K685R.
Identifiers: ClinVar variation 3651169 (VCV003651169.2).
Genomic context (GRCh38, chr6:89,932,880, plus strand): 5'-TTGTCCAACAGTTCCCCCATGCATGCTTTCAGTTGATTCCTCTCTGACAACAGTTTCTCT[T>C]TCTCACACACCTGGACAGTAGAGAAAAAAAGAGAAGGGTTGATCAAGCCTGAACTGGAGG-3'
Protein context (NP_068585.1, residues 675-695): ECEIRKLVCE[Lys685Arg]EKLLSERNQL

ClinVar aggregate classification (germline): Uncertain significance (1 of 4 stars; one submission).

Submission:

Labcorp Genetics (formerly Invitae), Labcorp
Classification: Uncertain significance. Last evaluated: 2024-08-31. Review status: criteria provided, single submitter. Criteria: Invitae Variant Classification Sherloc (09022015). Collection method: clinical testing. Allele origin: germline.
Comment: This sequence change replaces lysine, which is basic and polar, with arginine, which is basic and polar, at codon 685 of the BACH2 protein (p.Lys685Arg). This variant is not present in population databases (gnomAD no frequency). This variant has not been reported in the literature in individuals affected with BACH2-related conditions. Invitae Evidence Modeling of protein sequence and biophysical properties (such as structural, functional, and spatial information, amino acid conservation, physicochemical variation, residue mobility, and thermodynamic stability) indicates that this missense variant is not expected to disrupt BACH2 protein function with a negative predictive value of 80%. In summary, the available evidence is currently insufficient to determine the role of this variant in disease. Therefore, it has been classified as a Variant of Uncertain Significance.